The following is an entry in ClinVar:

ClinVar aggregate classification (germline): Uncertain significance (1 of 4 stars; one submission).

Conditions:
Joubert syndrome. Also called: CEREBELLOPARENCHYMAL DISORDER IV; JOUBERT-BOLTSHAUSER SYNDROME; Familial aplasia of the vermis. Identifiers: Orphanet 475, MedGen C5979921, MONDO:0018772.
Nephronophthisis. Also called: Juvenile Nephronophthisis. Identifiers: Orphanet 655, MedGen C0687120, MONDO:0019005, HP:0000090.
Meckel-Gruber syndrome. Also called: DYSENCEPHALIA SPLANCHNOCYSTICA; GRUBER SYNDROME; Dysencephalia splachnocystica. Identifiers: Orphanet 564, MedGen C0265215, MONDO:0018921.

Allele frequency attached by ClinVar (database versions not stated): gnomAD exomes below 0.00001; TOPMed below 0.00001.
gnomAD v4.1: 3 of 1,456,240 alleles (0.00021%); highest among the groups gnomAD compares: Non-Finnish European, 0.00028%; no homozygotes.

Submission:

Labcorp Genetics (formerly Invitae), Labcorp
Classification: Uncertain significance for Joubert syndrome; Meckel-Gruber syndrome; Nephronophthisis. Last evaluated: 2022-06-20. Review status: criteria provided, single submitter. Criteria: Invitae Variant Classification Sherloc (09022015). Collection method: clinical testing. Allele origin: germline.
Comment: This sequence change replaces asparagine, which is neutral and polar, with aspartic acid, which is acidic and polar, at codon 1810 of the CEP290 protein (p.Asn1810Asp). This variant is not present in population databases (gnomAD no frequency). This variant has not been reported in the literature in individuals affected with CEP290-related conditions. Algorithms developed to predict the effect of missense changes on protein structure and function (SIFT, PolyPhen-2, Align-GVGD) all suggest that this variant is likely to be tolerated. In summary, the available evidence is currently insufficient to determine the role of this variant in disease. Therefore, it has been classified as a Variant of Uncertain Significance.

NM_025114.4(CEP290):c.5428A>G (p.Asn1810Asp)

Gene: CEP290 (centrosomal protein 290; minus strand). Cytogenetic location: 12q21.32.
Variant type: single nucleotide variant.
Coding change: c.5428A>G on transcript NM_025114.4 (MANE Select); coding-DNA position 5428, A replaced by G.
Protein change: p.Asn1810Asp; replaces asparagine 1810 with aspartic acid.
Molecular consequence: missense variant.
Genome position (GRCh38, 1-based): chr12:88,077,855, T>C on the plus strand (A>G on the coding strand, the complement: CEP290 is on the minus strand). VCF-style: chr12-88077855-T-C. GRCh37 (hg19) VCF-style: chr12-88471632-T-C.
Other names: short protein forms N1810D.
Identifiers: ClinVar variation 1421999 (VCV001421999.5), dbSNP rs1351470304, ClinGen allele CA385988891.